The following is an entry in ClinVar:

ClinVar aggregate classification (germline): Uncertain significance (1 of 4 stars; one submission).

Conditions:
Atypical hemolytic-uremic syndrome. Identifiers: Orphanet 2134, MedGen C2931788, MONDO:0016244.

Submission:

Genomenon, Inc
Classification: Uncertain significance for Atypical hemolytic-uremic syndrome. Last evaluated: 2025-10-02. Review status: criteria provided, single submitter. Criteria: Genomenon Sequence Variant Interpretation Standards. Collection method: curation. Allele origin: germline. Affected: no.
Comment: CD46 p.Asp92Ala (c.275A>C) is a missense variant that changes the amino acid at residue 92 from Aspartic acid to Alanine. This variant has been reported in the published literature (PMID:26357573). It is absent or not present at a significant frequency in gnomAD. In silico models agree that this variant is not damaging. In conclusion, we classify CD46 p.Asp92Ala (c.275A>C) as a variant of uncertain significance.

Literature cited by the submitters: PubMed 26357573.

NM_172351.3(CD46):c.275A>C (p.Asp92Ala)

Gene: CD46 (CD46 molecule; plus strand). Cytogenetic location: 1q32.2.
Variant type: single nucleotide variant.
Coding change: c.275A>C on transcript NM_172351.3 (MANE Select); coding-DNA position 275, A replaced by C.
Protein change: p.Asp92Ala; replaces aspartic acid 92 with alanine.
Molecular consequence: missense variant.
Genome position (GRCh38, 1-based): chr1:207,757,191, A>C. VCF-style: chr1-207757191-A-C. GRCh37 (hg19) VCF-style: chr1-207930536-A-C.
Other names: c.275A>C, p.Asp92Ala (NM_002389.4, NM_153826.4, NM_172350.3 and 8 more transcripts); short protein forms D92A.
Identifiers: ClinVar variation 4291252 (VCV004291252.1).
Genomic context (GRCh38, chr1:207,757,191, plus strand): 5'-CTCCTCTTGCCACCCATACTATTTGTGATCGGAATCATACATGGCTACCTGTCTCAGATG[A>C]CGCCTGTTATAGTAAGTAAACAAACCTCTTTTTTTTTTCTGCTTGCTCTAGAGATTTGCA-3'
Protein context (NP_758861.1, residues 82-102): RNHTWLPVSD[Asp92Ala]ACYRETCPYI